The following is an entry in ClinVar:

ClinVar aggregate classification (germline): Pathogenic (1 of 4 stars; one submission).

Conditions:
Marfan syndrome (MFS). Also called: MARFAN SYNDROME, TYPE I; Marfan syndrome type 1; Marfan's syndrome; Marfan syndrome, classic; FBN1-Related Marfan Syndrome. Identifiers: Orphanet 284963, Orphanet 558, MedGen C0024796, MONDO:0007947, OMIM 154700.
Familial thoracic aortic aneurysm and aortic dissection (TAAD). Also called: Thoracic aortic aneurysms and dissections. Identifiers: Orphanet 91387, MedGen C4707243, MONDO:0019625.

Submission:

Labcorp Genetics (formerly Invitae), Labcorp
Classification: Pathogenic for Marfan syndrome; Familial thoracic aortic aneurysm and aortic dissection. Last evaluated: 2023-08-23. Review status: criteria provided, single submitter. Criteria: Invitae Variant Classification Sherloc (09022015). Collection method: clinical testing. Allele origin: germline.
Comment: This sequence change creates a premature translational stop signal (p.Gly12*) in the FBN1 gene. It is expected to result in an absent or disrupted protein product. Loss-of-function variants in FBN1 are known to be pathogenic (PMID: 17657824, 19293843). This variant is not present in population databases (gnomAD no frequency). This variant has not been reported in the literature in individuals affected with FBN1-related conditions. For these reasons, this variant has been classified as Pathogenic.

Literature cited by the submitters: PubMed 17657824; PubMed 19293843.

NM_000138.5(FBN1):c.34G>T (p.Gly12Ter)

Gene: FBN1 (fibrillin 1; minus strand). Cytogenetic location: 15q21.1.
Variant type: single nucleotide variant.
Coding change: c.34G>T on transcript NM_000138.5 (MANE Select); coding-DNA position 34, G replaced by T.
Protein change: p.Gly12Ter; replaces glycine 12 with a stop codon.
Molecular consequence: nonsense.
Genome position (GRCh38, 1-based): chr15:48,644,736, C>A on the plus strand (G>T on the coding strand, the complement: FBN1 is on the minus strand). VCF-style: chr15-48644736-C-A. GRCh37 (hg19) VCF-style: chr15-48936933-C-A.
Other names: c.34G>T, p.Gly12Ter (NM_001406716.1, NM_001406717.1, NM_001406718.1); short protein forms G12*.
Identifiers: ClinVar variation 2942389 (VCV002942389.3), dbSNP rs2505822301, ClinGen allele CA392453922.